The following is an entry in ClinVar:

ClinVar aggregate classification (germline): Uncertain significance. Review status: criteria provided, multiple submitters, no conflicts (2 of 4 stars). 2 submissions from 2 submitters: Uncertain significance (2). Last evaluated 2024-10-25.

Conditions:
Chédiak-Higashi syndrome (CHS). Also called: Chediak-Higashi Syndrome. Identifiers: Orphanet 167, MedGen C0007965, MONDO:0008963, OMIM 214500.

Allele frequency attached by ClinVar (database versions not stated): gnomAD exomes below 0.00001; TOPMed 0.00001; ExAC 0.00002.
gnomAD v4.1: 4 of 1,613,552 alleles (0.00025%); highest among the groups gnomAD compares: South Asian, 0.0011%; no homozygotes.

Submissions (2):

Labcorp Genetics (formerly Invitae), Labcorp
Classification: Uncertain significance for Chédiak-Higashi syndrome. Last evaluated: 2024-10-25. Review status: criteria provided, single submitter. Criteria: Invitae Variant Classification Sherloc (09022015). Collection method: clinical testing. Allele origin: germline.
Comment: This sequence change replaces glycine, which is neutral and non-polar, with arginine, which is basic and polar, at codon 1170 of the LYST protein (p.Gly1170Arg). This variant is present in population databases (rs751798406, gnomAD 0.004%). This variant has not been reported in the literature in individuals affected with LYST-related conditions. ClinVar contains an entry for this variant (Variation ID: 2200984). Invitae Evidence Modeling of protein sequence and biophysical properties (such as structural, functional, and spatial information, amino acid conservation, physicochemical variation, residue mobility, and thermodynamic stability) indicates that this missense variant is not expected to disrupt LYST protein function with a negative predictive value of 80%. In summary, the available evidence is currently insufficient to determine the role of this variant in disease. Therefore, it has been classified as a Variant of Uncertain Significance.

Revvity Omics, Revvity
Classification: Uncertain significance for Chédiak-Higashi syndrome. Last evaluated: 2019-02-26. Review status: criteria provided, single submitter. Criteria: ACMG Guidelines, 2015. Collection method: clinical testing. Allele origin: germline.

NM_000081.4(LYST):c.3508G>A (p.Gly1170Arg)

Gene: LYST (lysosomal trafficking regulator; minus strand). Cytogenetic location: 1q42.3.
Variant type: single nucleotide variant.
Coding change: c.3508G>A on transcript NM_000081.4 (MANE Select); coding-DNA position 3508, G replaced by A.
Protein change: p.Gly1170Arg; replaces glycine 1170 with arginine.
Molecular consequence: missense variant.
Genome position (GRCh38, 1-based): chr1:235,804,551, C>T on the plus strand (G>A on the coding strand, the complement: LYST is on the minus strand). VCF-style: chr1-235804551-C-T. GRCh37 (hg19) VCF-style: chr1-235967851-C-T.
Other names: c.3508G>A, p.Gly1170Arg (NM_001301365.1); short protein forms G1170R.
Identifiers: ClinVar variation 2200984 (VCV002200984.5), dbSNP rs751798406, ClinGen allele CA1467065.